The following is an entry in ClinVar:

NM_001849.4(COL6A2):c.677T>G (p.Ile226Ser)

Gene: COL6A2 (collagen type VI alpha 2 chain; plus strand). Cytogenetic location: 21q22.3.
Variant type: single nucleotide variant.
Coding change: c.677T>G on transcript NM_001849.4 (MANE Select); coding-DNA position 677, T replaced by G.
Protein change: p.Ile226Ser; replaces isoleucine 226 with serine.
Molecular consequence: missense variant.
Genome position (GRCh38, 1-based): chr21:46,112,540, T>G. VCF-style: chr21-46112540-T-G. GRCh37 (hg19) VCF-style: chr21-47532454-T-G.
Other names: c.677T>G, p.Ile226Ser (NM_058174.3, NM_058175.3); short protein forms I226S.
Identifiers: ClinVar variation 5040639 (VCV005040639.1).

ClinVar aggregate classification (germline): Uncertain significance (1 of 4 stars; one submission).

Submission:

CeGaT Center for Human Genetics Tuebingen
Classification: Uncertain significance. Last evaluated: 2026-08-01. Review status: criteria provided, single submitter. Criteria: CeGaT Center For Human Genetics Tuebingen Variant Classification Criteria Version 2. Collection method: clinical testing. Allele origin: germline. Affected: yes. Observed: 1 variant allele.
Comment: COL6A2: PM2